The following is an entry in ClinVar:

ClinVar aggregate classification (germline): Uncertain significance (1 of 4 stars; one submission).

Conditions:
Hereditary cancer-predisposing syndrome. Also called: Neoplastic Syndromes, Hereditary; Tumor predisposition; Hereditary neoplastic syndrome; Hereditary Cancer Syndrome. Identifiers: Orphanet 140162, MedGen C0027672, MeSH D009386, MONDO:0015356.

Submission:

Ambry Genetics
Classification: Uncertain significance for Hereditary cancer-predisposing syndrome. Last evaluated: 2024-06-12. Review status: criteria provided, single submitter. Criteria: Ambry Variant Classification Scheme 2023. Collection method: clinical testing. Allele origin: germline.
Comment: The p.T1576R variant (also known as c.4727C>G), located in coding exon 36 of the TSC2 gene, results from a C to G substitution at nucleotide position 4727. The threonine at codon 1576 is replaced by arginine, an amino acid with similar properties. This amino acid position is conserved. In addition, this alteration is predicted to be deleterious by in silico analysis. Based on the available evidence, the clinical significance of this variant remains unclear.

NM_000548.5(TSC2):c.4727C>G (p.Thr1576Arg)

Gene: TSC2 (TSC complex subunit 2; plus strand). Cytogenetic location: 16p13.3.
Variant type: single nucleotide variant.
Coding change: c.4727C>G on transcript NM_000548.5 (MANE Select); coding-DNA position 4727, C replaced by G.
Protein change: p.Thr1576Arg; replaces threonine 1576 with arginine.
Molecular consequence: missense variant. On other transcripts: non-coding transcript variant (5).
Genome position (GRCh38, 1-based): chr16:2,086,257, C>G. VCF-style: chr16-2086257-C-G. GRCh37 (hg19) VCF-style: chr16-2136258-C-G.
Other names: c.4526C>G, p.Thr1509Arg (NM_001077183.3); c.4658C>G, p.Thr1553Arg (NM_001114382.3); c.4418C>G, p.Thr1473Arg (NM_001318827.2); c.4382C>G, p.Thr1461Arg (NM_001318829.2); c.4547C>G, p.Thr1516Arg (NM_001406670.1); c.4517C>G, p.Thr1506Arg (NM_001406671.1); c.4514C>G, p.Thr1505Arg (NM_001406673.1); c.4511C>G, p.Thr1504Arg (NM_001406675.1); and 26 more; short protein forms T1352R, T1356R, T1506R, T1509R, T1550R, T1575R, T1062R, T1084R.
Identifiers: ClinVar variation 3329532 (VCV003329532.1).
Genomic context (GRCh38, chr16:2,086,257, plus strand): 5'-ACAGCGAGCTCGCCATCCTGTCCAATGAGCATGGCTCCTACAGGTACACGGAGTTCCTGA[C>G]GGGCCTGGGCCGGCTCATCGAGCTGAAGGACTGCCAGCCGGACAAGGTGTACCTGGGAGG-3'
Protein context (NP_000539.2, residues 1566-1586): HGSYRYTEFL[Thr1576Arg]GLGRLIELKD